The following is an entry in ClinVar:

NM_198994.3(TGM6):c.1984C>A (p.Pro662Thr)

Gene: TGM6 (transglutaminase 6; plus strand). Cytogenetic location: 20p13.
Variant type: single nucleotide variant.
Coding change: c.1984C>A on transcript NM_198994.3 (MANE Select); coding-DNA position 1984, C replaced by A.
Protein change: p.Pro662Thr; replaces proline 662 with threonine.
Molecular consequence: missense variant.
Genome position (GRCh38, 1-based): chr20:2,432,506, C>A. VCF-style: chr20-2432506-C-A. GRCh37 (hg19) VCF-style: chr20-2413152-C-A.
Other names: c.1850C>A, p.Ala617Asp (NM_001254734.2); short protein forms A617D, P662T.
Identifiers: ClinVar variation 2572907 (VCV002572907.2), dbSNP rs1248061671, ClinGen allele CA408017701.

ClinVar aggregate classification (germline): Uncertain significance (1 of 4 stars; one submission).

Submission:

GeneDx
Classification: Uncertain significance. Last evaluated: 2026-02-09. Review status: criteria provided, single submitter. Criteria: GeneDx Variant Classification Process June 2021. Collection method: clinical testing. Allele origin: germline. Affected: yes.
Comment: Not observed at significant frequency in large population cohorts (gnomAD); In silico analysis supports that this missense variant has a deleterious effect on protein structure/function; Has not been previously published as pathogenic or benign to our knowledge